The following is an entry in ClinVar:

ClinVar aggregate classification (germline): Uncertain significance (1 of 4 stars; one submission).

gnomAD v4.1: 2 of 1,608,200 alleles (0.00012%); highest among the groups gnomAD compares: East Asian, 0.0022%; no homozygotes.

Submission:

Labcorp Genetics (formerly Invitae), Labcorp
Classification: Uncertain significance. Last evaluated: 2022-06-09. Review status: criteria provided, single submitter. Criteria: Invitae Variant Classification Sherloc (09022015). Collection method: clinical testing. Allele origin: germline.
Comment: This sequence change replaces alanine, which is neutral and non-polar, with serine, which is neutral and polar, at codon 767 of the C7 protein (p.Ala767Ser). This variant is not present in population databases (gnomAD no frequency). This variant has not been reported in the literature in individuals affected with C7-related conditions. Algorithms developed to predict the effect of missense changes on protein structure and function (SIFT, PolyPhen-2, Align-GVGD) all suggest that this variant is likely to be tolerated. In summary, the available evidence is currently insufficient to determine the role of this variant in disease. Therefore, it has been classified as a Variant of Uncertain Significance.

NM_000587.4(C7):c.2299G>T (p.Ala767Ser)

Gene: C7 (complement C7; plus strand). Cytogenetic location: 5p13.1.
Variant type: single nucleotide variant.
Coding change: c.2299G>T on transcript NM_000587.4 (MANE Select); coding-DNA position 2299, G replaced by T.
Protein change: p.Ala767Ser; replaces alanine 767 with serine.
Molecular consequence: missense variant.
Genome position (GRCh38, 1-based): chr5:40,979,858, G>T. VCF-style: chr5-40979858-G-T. GRCh37 (hg19) VCF-style: chr5-40979960-G-T.
Other names: short protein forms A767S.
Identifiers: ClinVar variation 2060378 (VCV002060378.1), dbSNP rs1261586501, ClinGen allele CA359595261.